The following is an entry in ClinVar:

ClinVar aggregate classification (germline): Uncertain significance (1 of 4 stars; one submission).

Conditions:
Progressive sclerosing poliodystrophy (MTDPS4A). Also called: ALPERS PROGRESSIVE INFANTILE POLIODYSTROPHY; NEURONAL DEGENERATION OF CHILDHOOD WITH LIVER DISEASE, PROGRESSIVE; Mitochondrial DNA Depletion Syndrome 4A; Alpers-Huttenlocher Syndrome (AHS); Alpers Syndrome; ALPERS DIFFUSE DEGENERATION OF CEREBRAL GRAY MATTER WITH HEPATIC CIRRHOSIS. Identifiers: Orphanet 726, MedGen C0205710, MONDO:0008758, OMIM 203700.

gnomAD v4.1: 1 of 1,613,464 alleles (0.000062%); highest among the groups gnomAD compares: South Asian, 0.0011%; no homozygotes.

Submission:

Labcorp Genetics (formerly Invitae), Labcorp
Classification: Uncertain significance for Progressive sclerosing poliodystrophy. Last evaluated: 2022-03-23. Review status: criteria provided, single submitter. Criteria: Invitae Variant Classification Sherloc (09022015). Collection method: clinical testing. Allele origin: germline.
Comment: In summary, the available evidence is currently insufficient to determine the role of this variant in disease. Therefore, it has been classified as a Variant of Uncertain Significance. Algorithms developed to predict the effect of missense changes on protein structure and function (SIFT, PolyPhen-2, Align-GVGD) all suggest that this variant is likely to be tolerated. This variant has not been reported in the literature in individuals affected with POLG-related conditions. This variant is not present in population databases (gnomAD no frequency). This sequence change replaces glutamine, which is neutral and polar, with arginine, which is basic and polar, at codon 317 of the POLG protein (p.Gln317Arg).

NM_002693.3(POLG):c.950A>G (p.Gln317Arg)

Gene: POLG (DNA polymerase gamma, catalytic subunit; minus strand). Cytogenetic location: 15q26.1.
Variant type: single nucleotide variant.
Coding change: c.950A>G on transcript NM_002693.3 (MANE Select); coding-DNA position 950, A replaced by G.
Protein change: p.Gln317Arg; replaces glutamine 317 with arginine.
Molecular consequence: missense variant.
Genome position (GRCh38, 1-based): chr15:89,329,016, T>C on the plus strand (A>G on the coding strand, the complement: POLG is on the minus strand). VCF-style: chr15-89329016-T-C. GRCh37 (hg19) VCF-style: chr15-89872247-T-C.
Other names: c.950A>G, p.Gln317Arg (NM_001126131.2); short protein forms Q317R.
Identifiers: ClinVar variation 1519208 (VCV001519208.4), dbSNP rs2152068136, ClinGen allele CA393765664.